The following is an entry in ClinVar:

NM_001035.3(RYR2):c.3070G>A (p.Val1024Ile)

Gene: RYR2 (ryanodine receptor 2; plus strand). Cytogenetic location: 1q43.
Variant type: single nucleotide variant.
Coding change: c.3070G>A on transcript NM_001035.3 (MANE Select); coding-DNA position 3070, G replaced by A.
Protein change: p.Val1024Ile; replaces valine 1024 with isoleucine.
Molecular consequence: missense variant.
Genome position (GRCh38, 1-based): chr1:237,550,547, G>A. VCF-style: chr1-237550547-G-A. GRCh37 (hg19) VCF-style: chr1-237713847-G-A.
Other names: c.3070G>A (NM_001035.2); short protein forms V1024I.
Identifiers: ClinVar variation 922927 (VCV000922927.17), dbSNP rs1291873158, ClinGen allele CA070971.

ClinVar aggregate classification (germline): Uncertain significance. Review status: criteria provided, multiple submitters, no conflicts (2 of 4 stars). 5 submissions from 5 submitters: Uncertain significance (5). Last evaluated 2025-08-06.

Conditions:
Catecholaminergic polymorphic ventricular tachycardia 1. Also called: RYR2-Related Catecholaminergic Polymorphic Ventricular Tachycardia; VENTRICULAR TACHYCARDIA, STRESS-INDUCED POLYMORPHIC 1; VENTRICULAR TACHYCARDIA, CATECHOLAMINERGIC POLYMORPHIC, 1, WITH OR WITHOUT ATRIAL DYSFUNCTION AND/OR DILATED CARDIOMYOPATHY. Identifiers: Orphanet 3286, MedGen C1631597, MONDO:0011484, OMIM 604772.
Cardiomyopathy (CMYO). Also called: Cardiomyopathies. Identifiers: Orphanet 167848, MedGen C0878544, MONDO:0004994, HP:0001638. Inheritance: Various modes of inheritance.
Catecholaminergic polymorphic ventricular tachycardia (CVPT). Also called: Catecholamine-induced polymorphic ventricular tachycardia. Identifiers: Orphanet 3286, MedGen C5574922, MONDO:0017990.

gnomAD v4.1: 12 of 1,608,788 alleles (0.00075%); highest among the groups gnomAD compares: East Asian, 0.0067%; no homozygotes.

Submissions (5):

Labcorp Genetics (formerly Invitae), Labcorp
Classification: Uncertain significance for Catecholaminergic polymorphic ventricular tachycardia 1. Last evaluated: 2025-08-06. Review status: criteria provided, single submitter. Criteria: Invitae Variant Classification Sherloc (09022015). Collection method: clinical testing. Allele origin: germline.
Comment: This sequence change replaces valine, which is neutral and non-polar, with isoleucine, which is neutral and non-polar, at codon 1024 of the RYR2 protein (p.Val1024Ile). The frequency data for this variant in the population databases is considered unreliable, as metrics indicate poor data quality at this position in the gnomAD database. This missense change has been observed in individual(s) with clinical features of catecholaminergic polymorphic ventricular tachycardia and/or ventricular fibrillation (PMID: 27756708, 29453246). ClinVar contains an entry for this variant (Variation ID: 922927). Invitae Evidence Modeling of protein sequence and biophysical properties (such as structural, functional, and spatial information, amino acid conservation, physicochemical variation, residue mobility, and thermodynamic stability) indicates that this missense variant is not expected to disrupt RYR2 protein function with a negative predictive value of 95%. Experimental studies are conflicting or provide insufficient evidence to determine the effect of this variant on RYR2 function (PMID: 27756708). In summary, the available evidence is currently insufficient to determine the role of this variant in disease. Therefore, it has been classified as a Variant of Uncertain Significance.

Blueprint Genetics
Classification: Uncertain significance. Last evaluated: 2024-11-01. Review status: criteria provided, single submitter. Criteria: ACMG Guidelines, 2015. Collection method: clinical testing. Allele origin: germline.

All of Us Research Program, National Institutes of Health
Classification: Uncertain significance for Catecholaminergic polymorphic ventricular tachycardia. Last evaluated: 2023-11-20. Review status: criteria provided, single submitter. Criteria: ACMG Guidelines, 2015. Collection method: clinical testing. Allele origin: germline. Inheritance: Autosomal dominant inheritance. Observed: 2 variant alleles, 2 heterozygotes.
Comment: This missense variant replaces valine with isoleucine at codon 1024 of the RYR2 protein. Computational prediction suggests that this variant may not impact protein structure and function (internally defined REVEL score threshold <= 0.5, PMID: 27666373). A functional study has shown that this variant results in a slightly higher calcium oscillation frequency in transfected HEK293 cells (PMID: 27756708). This variant has been reported in an individual suspected of having catecholaminergic polymorphic ventricular tachycardia (PMID: 29453246) and in another individual affected with idiopathic ventricular fibrillation (PMID: 27756708). This variant has been identified in 3/240824 chromosomes in the general population by the Genome Aggregation Database (gnomAD). The available evidence is insufficient to determine the role of this variant in disease conclusively. Therefore, this variant is classified as a Variant of Uncertain Significance.

This study involves interpretation of variants in research participants for the purpose of population health screening. Participant phenotype was not available at the time of variant classification. Additional details can be found in publication PMID: 35346344, PMCID: PMC8962531

Color Diagnostics, LLC DBA Color Health
Classification: Uncertain significance for Cardiomyopathy. Last evaluated: 2023-10-27. Review status: criteria provided, single submitter. Criteria: ACMG Guidelines, 2015. Collection method: clinical testing. Allele origin: germline.
Comment: This missense variant replaces valine with isoleucine at codon 1024 of the RYR2 protein. Computational prediction suggests that this variant may not impact protein structure and function (internally defined REVEL score threshold <= 0.5, PMID: 27666373). A functional study has shown that this variant results in a slightly higher calcium oscillation frequency in transfected HEK293 cells (PMID: 27756708). This variant has been reported in an individual suspected of having catecholaminergic polymorphic ventricular tachycardia (PMID: 29453246) and in another individual affected with idiopathic ventricular fibrillation (PMID: 27756708). This variant has been identified in 3/240824 chromosomes in the general population by the Genome Aggregation Database (gnomAD). The available evidence is insufficient to determine the role of this variant in disease conclusively. Therefore, this variant is classified as a Variant of Uncertain Significance.

GeneDx
Classification: Uncertain significance. Last evaluated: 2021-10-27. Review status: criteria provided, single submitter. Criteria: GeneDx Variant Classification Process June 2021. Collection method: clinical testing. Allele origin: germline. Affected: yes.
Comment: Reported in a patient with syncope and PVCs (Fujii et al., 2017); Not observed at significant frequency in large population cohorts (Lek et al., 2016); In silico analysis supports that this missense variant does not alter protein structure/function; Functional studies demonstrate that this variant has a mild gain of function effect but it was thought to be insignificant (Fujii et al., 2017); Not located in one of the three hot-spot regions of the RYR2 gene, where the majority of pathogenic missense variants occur (Medeiros-Domingo et al., 2009); Reported in ClinVar as a variant of uncertain significance (ClinVar Variant ID# 922927; Landrum et al., 2016); This variant is associated with the following publications: (PMID: 31112425, 27756708, 19926015, 26582918)

Literature cited by the submitters: PubMed 27756708 (cited by 3 submitters); PubMed 29453246 (cited by 3 submitters).